The following is an entry in ClinVar:

NM_001371727.1(GABRB2):c.1265T>C (p.Met422Thr)

Gene: GABRB2 (gamma-aminobutyric acid type A receptor subunit beta2; minus strand). Cytogenetic location: 5q34.
Variant type: single nucleotide variant.
Coding change: c.1265T>C on transcript NM_001371727.1 (MANE Select); coding-DNA position 1265, T replaced by C.
Protein change: p.Met422Thr; replaces methionine 422 with threonine.
Molecular consequence: missense variant.
Genome position (GRCh38, 1-based): chr5:161,294,355, A>G on the plus strand (T>C on the coding strand, the complement: GABRB2 is on the minus strand). VCF-style: chr5-161294355-A-G. GRCh37 (hg19) VCF-style: chr5-160721362-A-G.
Other names: c.1151T>C, p.Met384Thr (NM_000813.3); c.1265T>C, p.Met422Thr (NM_021911.3); short protein forms M384T, M422T.
Identifiers: ClinVar variation 3063895 (VCV003063895.1), dbSNP rs2546532793, ClinGen allele CA362173510.
Genomic context (GRCh38, chr5:161,294,355, plus strand): 5'-CGATACTGGATGCTGGAGGCATCATAGGCTAGCATTGTGCTTCTGGGGTCTCCAAGTCCC[A>G]TCACAGCCTCAGATGTGGCCATTTCATTTTTTATCTCGAGAGTGCTCAGTAAGATGTTCT-3'
Protein context (NP_001358656.1, residues 412-432): KNEMATSEAV[Met422Thr]GLGDPRSTML

ClinVar aggregate classification (germline): Uncertain significance (1 of 4 stars; one submission).

Submission:

Women's Health and Genetics/Laboratory Corporation of America, LabCorp
Classification: Uncertain significance. Last evaluated: 2024-01-12. Review status: criteria provided, single submitter. Criteria: LabCorp Variant Classification Summary - May 2015. Collection method: clinical testing. Allele origin: germline.
Comment: Variant summary: GABRB2 c.1265T>C (p.Met422Thr) results in a non-conservative amino acid change in the encoded protein sequence. Three of five in-silico tools predict a benign effect of the variant on protein function. The variant was absent in 250704 control chromosomes (gnomAD). The available data on variant occurrences in the general population are insufficient to allow any conclusion about variant significance. To our knowledge, no occurrence of c.1265T>C in individuals affected with Epileptic Encephalopathy, Infantile Or Early Childhood, 2 and no experimental evidence demonstrating its impact on protein function have been reported. No submitters have cited clinical-significance assessments for this variant to ClinVar. Based on the evidence outlined above, the variant was classified as uncertain significance.